The following is an entry in ClinVar:

NM_000257.4(MYH7):c.440G>A (p.Arg147Lys)

Gene: MYH7 (myosin heavy chain 7; minus strand). Cytogenetic location: 14q11.2.
Variant type: single nucleotide variant.
Coding change: c.440G>A on transcript NM_000257.4 (MANE Select); coding-DNA position 440, G replaced by A.
Protein change: p.Arg147Lys; replaces arginine 147 with lysine.
Molecular consequence: missense variant.
Genome position (GRCh38, 1-based): chr14:23,432,701, C>T on the plus strand (G>A on the coding strand, the complement: MYH7 is on the minus strand). VCF-style: chr14-23432701-C-T. GRCh37 (hg19) VCF-style: chr14-23901910-C-T.
Other names: c.440G>A, p.Arg147Lys (NM_001407004.1); short protein forms R147K.
Identifiers: ClinVar variation 1953023 (VCV001953023.6), dbSNP rs1892998168, ClinGen allele CA389052817.

ClinVar aggregate classification (germline): Uncertain significance. Review status: criteria provided, multiple submitters, no conflicts (2 of 4 stars). 2 submissions from 2 submitters: Uncertain significance (2). Last evaluated 2023-02-16.

Conditions:
Hypertrophic cardiomyopathy. Also called: HYPERTROPHIC MYOCARDIOPATHY. Identifiers: Orphanet 217569, MedGen C0007194, MeSH D002312, MONDO:0005045, HP:0001639.

Allele frequency attached by ClinVar (database versions not stated): gnomAD exomes below 0.00001.
gnomAD v4.1: 1 of 1,614,148 alleles (0.000062%); highest among the groups gnomAD compares: Non-Finnish European, 0.000085%; no homozygotes.

Submissions (2):

GeneDx
Classification: Uncertain significance. Last evaluated: 2023-02-16. Review status: criteria provided, single submitter. Criteria: GeneDx Variant Classification Process June 2021. Collection method: clinical testing. Allele origin: germline. Affected: yes.
Comment: Not observed at significant frequency in large population cohorts (gnomAD); In silico analysis supports that this missense variant does not alter protein structure/function; Has not been previously published as pathogenic or benign to our knowledge

Labcorp Genetics (formerly Invitae), Labcorp
Classification: Uncertain significance for Hypertrophic cardiomyopathy. Last evaluated: 2022-08-21. Review status: criteria provided, single submitter. Criteria: Invitae Variant Classification Sherloc (09022015). Collection method: clinical testing. Allele origin: germline.
Comment: Algorithms developed to predict the effect of missense changes on protein structure and function are either unavailable or do not agree on the potential impact of this missense change (SIFT: "Deleterious"; PolyPhen-2: "Probably Damaging"; Align-GVGD: "Class C0"). In summary, the available evidence is currently insufficient to determine the role of this variant in disease. Therefore, it has been classified as a Variant of Uncertain Significance. This variant is found within a region of MYH7 between codons 181 and 937 that contains the majority of the myosin head domain. Missense variants in this region have been shown to be significantly overrepresented in individuals with hypertrophic cardiomyopathy (PMID: 27532257). This variant has not been reported in the literature in individuals affected with MYH7-related conditions. This variant is not present in population databases (gnomAD no frequency). This sequence change replaces arginine, which is basic and polar, with lysine, which is basic and polar, at codon 147 of the MYH7 protein (p.Arg147Lys).

Literature cited by the submitters: PubMed 27532257 (cited by Labcorp Genetics (formerly Invitae), Labcorp).